The following is an entry in ClinVar:

ClinVar aggregate classification (germline): Uncertain significance. Review status: criteria provided, multiple submitters, no conflicts (2 of 4 stars). 2 submissions from 2 submitters: Uncertain significance (2). Last evaluated 2025-09-28.

Conditions:
Inborn genetic diseases. Identifiers: MedGen C0950123, MeSH D030342.

gnomAD v4.1: 17 of 1,593,408 alleles (0.0011%); highest among the groups gnomAD compares: Admixed American, 0.0017%; no homozygotes.

Submissions (2):

Ambry Genetics
Classification: Uncertain significance for Inborn genetic diseases. Last evaluated: 2025-09-28. Review status: criteria provided, single submitter. Criteria: Ambry Variant Classification Scheme 2023. Collection method: clinical testing. Allele origin: germline.

GeneDx
Classification: Uncertain significance. Last evaluated: 2024-09-09. Review status: criteria provided, single submitter. Criteria: GeneDx Variant Classification Process June 2021. Collection method: clinical testing. Allele origin: germline. Affected: yes.
Comment: Not observed at significant frequency in large population cohorts (gnomAD); In silico analysis supports that this missense variant has a deleterious effect on protein structure/function; Has not been previously published as pathogenic or benign to our knowledge

NM_001378609.3(OTOGL):c.1856G>A (p.Gly619Asp)

Gene: OTOGL (otogelin like; plus strand). Cytogenetic location: 12q21.31.
Variant type: single nucleotide variant.
Coding change: c.1856G>A on transcript NM_001378609.3 (MANE Select); coding-DNA position 1856, G replaced by A.
Protein change: p.Gly619Asp; replaces glycine 619 with aspartic acid.
Molecular consequence: missense variant.
Genome position (GRCh38, 1-based): chr12:80,257,969, G>A. VCF-style: chr12-80257969-G-A. GRCh37 (hg19) VCF-style: chr12-80651749-G-A.
Other names: c.1856G>A, p.Gly619Asp (NM_001368062.3, NM_001378610.3, NM_173591.7); short protein forms G619D.
Identifiers: ClinVar variation 3767777 (VCV003767777.2).